The following is an entry in ClinVar:

ClinVar aggregate classification (germline): Uncertain significance (1 of 4 stars; one submission).

Conditions:
Brugada syndrome. Also called: Sudden unexpected nocturnal death syndrome; Sudden unexplained nocturnal death syndrome; Sudden Unexplained Death Syndrome; Sudden Unexplained Nocturnal Death Syndrome (SUNDS). Identifiers: Orphanet 130, MedGen C1142166, MONDO:0015263.

gnomAD v4.1: 1 of 1,608,456 alleles (0.000062%); highest among the groups gnomAD compares: African/African-American, 0.0013%; no homozygotes.

Submission:

Labcorp Genetics (formerly Invitae), Labcorp
Classification: Uncertain significance for Brugada syndrome. Last evaluated: 2025-04-01. Review status: criteria provided, single submitter. Criteria: Invitae Variant Classification Sherloc (09022015). Collection method: clinical testing. Allele origin: germline.
Comment: This sequence change creates a premature translational stop signal (p.Lys1426*) in the SCN10A gene. It is expected to result in an absent or disrupted protein product. However, the current clinical and genetic evidence is not sufficient to establish whether loss-of-function variants in SCN10A cause disease. This variant is not present in population databases (gnomAD no frequency). This variant has not been reported in the literature in individuals affected with SCN10A-related conditions. In summary, the available evidence is currently insufficient to determine the role of this variant in disease. Therefore, it has been classified as a Variant of Uncertain Significance.

NM_006514.4(SCN10A):c.4276A>T (p.Lys1426Ter)

Gene: SCN10A (sodium voltage-gated channel alpha subunit 10; minus strand). Cytogenetic location: 3p22.2.
Variant type: single nucleotide variant.
Coding change: c.4276A>T on transcript NM_006514.4 (MANE Select); coding-DNA position 4276, A replaced by T.
Protein change: p.Lys1426Ter; replaces lysine 1426 with a stop codon.
Molecular consequence: nonsense.
Genome position (GRCh38, 1-based): chr3:38,709,483, T>A on the plus strand (A>T on the coding strand, the complement: SCN10A is on the minus strand). VCF-style: chr3-38709483-T-A. GRCh37 (hg19) VCF-style: chr3-38750974-T-A.
Other names: c.4273A>T, p.Lys1425Ter (NM_001293306.2); c.3982A>T, p.Lys1328Ter (NM_001293307.2); short protein forms K1425*, K1426*, K1328*.
Identifiers: ClinVar variation 4765599 (VCV004765599.1).